The following is an entry in ClinVar:

NM_006927.4(ST3GAL2):c.341T>C (p.Met114Thr)

Gene: ST3GAL2 (ST3 beta-galactoside alpha-2,3-sialyltransferase 2; minus strand). Cytogenetic location: 16q22.1.
Variant type: single nucleotide variant.
Coding change: c.341T>C on transcript NM_006927.4 (MANE Select); coding-DNA position 341, T replaced by C.
Protein change: p.Met114Thr; replaces methionine 114 with threonine.
Molecular consequence: missense variant.
Genome position (GRCh38, 1-based): chr16:70,395,174, A>G on the plus strand (T>C on the coding strand, the complement: ST3GAL2 is on the minus strand). VCF-style: chr16-70395174-A-G. GRCh37 (hg19) VCF-style: chr16-70429077-A-G.
Other names: short protein forms M114T.
Identifiers: ClinVar variation 91971 (VCV000091971.2), dbSNP rs386352366, ClinGen allele CA232269.

ClinVar aggregate classification (germline): Uncertain significance (0 of 4 stars; one submission).

Submission:

Richard Lifton Laboratory, Yale University School of Medicine
Classification: Uncertain significance. Review status: no assertion criteria provided. Collection method: not provided. Allele origin: somatic.
Comment: ST3GAL2
ClinVar note: Converted during submission from unknown to Uncertain significance.